The following is an entry in ClinVar:

NM_015466.4(PTPN23):c.2632C>T (p.Arg878Trp)

Gene: PTPN23 (protein tyrosine phosphatase non-receptor type 23; plus strand). Cytogenetic location: 3p21.31.
Variant type: single nucleotide variant.
Coding change: c.2632C>T on transcript NM_015466.4 (MANE Select); coding-DNA position 2632, C replaced by T.
Protein change: p.Arg878Trp; replaces arginine 878 with tryptophan.
Molecular consequence: missense variant.
Genome position (GRCh38, 1-based): chr3:47,410,430, C>T. VCF-style: chr3-47410430-C-T. GRCh37 (hg19) VCF-style: chr3-47451920-C-T.
Other names: c.2254C>T, p.Arg752Trp (NM_001304482.2); short protein forms R878W, R752W.
Identifiers: ClinVar variation 1950605 (VCV001950605.2), dbSNP rs541722376, ClinGen allele CA2366091.

ClinVar aggregate classification (germline): Uncertain significance (1 of 4 stars; one submission).

Allele frequency attached by ClinVar (database versions not stated): ExAC 0.00002; TOPMed 0.00002; 1000 Genomes Project 30x 0.00016; 1000 Genomes Project 0.00020.
gnomAD v4.1: 22 of 1,611,368 alleles (0.0014%); highest among the groups gnomAD compares: East Asian, 0.0067%; no homozygotes.

Submission:

Labcorp Genetics (formerly Invitae), Labcorp
Classification: Uncertain significance. Last evaluated: 2022-02-19. Review status: criteria provided, single submitter. Criteria: Invitae Variant Classification Sherloc (09022015). Collection method: clinical testing. Allele origin: germline.
Comment: This sequence change replaces arginine, which is basic and polar, with tryptophan, which is neutral and slightly polar, at codon 878 of the PTPN23 protein (p.Arg878Trp). This variant is present in population databases (rs541722376, gnomAD 0.006%). This variant has not been reported in the literature in individuals affected with PTPN23-related conditions. Algorithms developed to predict the effect of missense changes on protein structure and function are either unavailable or do not agree on the potential impact of this missense change (SIFT: "Deleterious"; PolyPhen-2: "Not Available"; Align-GVGD: "Class C0"). In summary, the available evidence is currently insufficient to determine the role of this variant in disease. Therefore, it has been classified as a Variant of Uncertain Significance.